The following is an entry in ClinVar:

ClinVar aggregate classification (germline): Uncertain significance (1 of 4 stars; one submission).

Conditions:
Early-infantile DEE. Also called: Ohtahara syndrome; Early infantile epileptic encephalopathy with suppression bursts; Early infantile epileptic encephalopathy. Identifiers: Orphanet 1934, MedGen C0393706, MONDO:0800491.

Submission:

Labcorp Genetics (formerly Invitae), Labcorp
Classification: Uncertain significance for Early-infantile DEE. Last evaluated: 2023-08-05. Review status: criteria provided, single submitter. Criteria: Invitae Variant Classification Sherloc (09022015). Collection method: clinical testing. Allele origin: germline.
Comment: This sequence change falls in intron 9 of the SCN1A gene. It does not directly change the encoded amino acid sequence of the SCN1A protein. This variant is not present in population databases (gnomAD no frequency). This variant has not been reported in the literature in individuals affected with SCN1A-related conditions. Algorithms developed to predict the effect of sequence changes on RNA splicing suggest that this variant may disrupt the consensus splice site. In summary, the available evidence is currently insufficient to determine the role of this variant in disease. Therefore, it has been classified as a Variant of Uncertain Significance.

NM_001165963.4(SCN1A):c.1378-12_1378-8del

Gene: SCN1A (sodium voltage-gated channel alpha subunit 1; minus strand). Cytogenetic location: 2q24.3.
Variant type: Deletion.
Coding change: c.1378-12_1378-8del on transcript NM_001165963.4 (MANE Select); 12 bases into the intron before coding-DNA position 1378 through 8 bases into the intron before coding-DNA position 1378, 5 bases deleted (TCTTC; older notation c.1378-12_1378-8delTCTTC).
Molecular consequence: intron variant.
Genome position (GRCh38, 1-based): chr2:166,045,335-166,045,339, GAAGA deleted on the plus strand (TCTTC on the coding strand, the reverse complement: SCN1A is on the minus strand); deleting any 5 consecutive bases within chr2:166,045,335-166,045,342 gives the same sequence; the c. name uses the placement nearest the transcript's 3' end. VCF-style (leftmost placement, unchanged base first): chr2-166045334-TGAAGA-T. GRCh37 (hg19) VCF-style: chr2-166901844-TGAAGA-T.
Other names: c.1378-12_1378-8del (NM_001353949.2, NM_001353958.2, NM_001353950.2 and 7 more transcripts); c.1378-15_1378-11del (NM_001353955.2, NM_001353960.2, NM_001353954.2); c.-1048-12_-1048-8del (NM_001353961.2).
Identifiers: ClinVar variation 2865312 (VCV002865312.3), dbSNP rs2468170007, ClinGen allele CA2739271493.